The following is an entry in ClinVar:

NM_000077.5(CDKN2A):c.300C>T (p.Ala100=)

Gene: CDKN2A (cyclin dependent kinase inhibitor 2A; minus strand). Cytogenetic location: 9p21.3.
Variant type: single nucleotide variant.
Coding change: c.300C>T on transcript NM_000077.5; coding-DNA position 300, C replaced by T.
Protein change: p.Ala100=; no amino-acid change (alanine 100 retained).
Molecular consequence: synonymous variant (on NM_000077.6). On other transcripts: missense variant (1), 3 prime UTR variant (1).
Genome position (GRCh38, 1-based): chr9:21,971,059, G>A on the plus strand (C>T on the coding strand, the complement: CDKN2A is on the minus strand). VCF-style: chr9-21971059-G-A. GRCh37 (hg19) VCF-style: chr9-21971058-G-A.
Other names: c.300C>T, p.Ala100= (NM_000077.6, NM_001195132.2); c.147C>T, p.Ala49= (NM_001363763.2); c.343C>T, p.Arg115Trp (NM_058195.4); c.*223C>T (NM_058197.5); short protein forms R115W.
Identifiers: ClinVar variation 234051 (VCV000234051.17), dbSNP rs876660818, ClinGen allele CA10578840.

ClinVar aggregate classification (germline): Conflicting classifications of pathogenicity. Review status: criteria provided, conflicting classifications (1 of 4 stars). 4 submissions from 4 submitters: Uncertain significance (2); Likely benign (2). Last evaluated 2025-12-27.

Conditions:
Hereditary cancer-predisposing syndrome. Also called: Neoplastic Syndromes, Hereditary; Hereditary Cancer Syndrome; Tumor predisposition; Hereditary neoplastic syndrome. Identifiers: Orphanet 140162, MedGen C0027672, MeSH D009386, MONDO:0015356.
Familial melanoma. Also called: Hereditary melanoma; Hereditary cutaneous melanoma. Identifiers: Orphanet 618, MedGen C1512419, MONDO:0018961.

Allele frequency attached by ClinVar (database versions not stated): gnomAD exomes below 0.00001; gnomAD 0.00001.
gnomAD v4.1: 7 of 1,605,292 alleles (0.00044%); highest among the groups gnomAD compares: Non-Finnish European, 0.00051%; no homozygotes.

Submissions (4):

Labcorp Genetics (formerly Invitae), Labcorp
Classification: Likely benign for Familial melanoma. Last evaluated: 2025-12-27. Review status: criteria provided, single submitter. Criteria: Invitae Variant Classification Sherloc (09022015). Collection method: clinical testing. Allele origin: germline.

Ambry Genetics
Classification: Uncertain significance for Hereditary cancer-predisposing syndrome. Last evaluated: 2025-05-31. Review status: criteria provided, single submitter. Criteria: Ambry Variant Classification Scheme 2023. Collection method: clinical testing. Allele origin: germline.
Comment: The c.300C>T variant (also known as p.A100A), located in coding exon 2 of the CDKN2A gene, results from a C to T substitution at nucleotide position 300. This nucleotide substitution does not change the amino acid at codon 100 of the p16 isoform. Of note, this variant is also known as p.R115W (c.343C>T) in the p14(ARF) isoform and results from an arginine to tryptophan substitution at amino acid position 115. The evidence supporting a relationship between p14(ARF) and melanoma-pancreatic cancer syndrome is limited; therefore, the association of this variant with this gene-disease relationship is unknown. However, the association of this variant in the p16 isoform with melanoma-pancreatic cancer syndrome is unlikely.

GeneDx
Classification: Uncertain significance. Last evaluated: 2023-07-17. Review status: criteria provided, single submitter. Criteria: GeneDx Variant Classification Process June 2021. Collection method: clinical testing. Allele origin: germline. Affected: yes.
Comment: This variant in the p14-ARF isoform also results in a likely benign variant in the p16 protein, p.Ala100=; Not observed at significant frequency in large population cohorts (gnomAD); Has not been previously published as pathogenic or benign to our knowledge; In silico analysis supports that this missense variant has a deleterious effect on protein structure/function

Sema4
Classification: Likely benign for Hereditary cancer-predisposing syndrome. Last evaluated: 2021-12-18. Review status: criteria provided, single submitter. Criteria: Sema4 Curation Guidelines. Collection method: curation. Allele origin: germline.